The following is an entry in ClinVar:

NM_033026.6(PCLO):c.1851C>G (p.Val617=)

Gene: PCLO (piccolo presynaptic cytomatrix protein; minus strand). Cytogenetic location: 7q21.11.
Variant type: single nucleotide variant.
Coding change: c.1851C>G on transcript NM_033026.6 (MANE Select); coding-DNA position 1851, C replaced by G.
Protein change: p.Val617=; no amino-acid change (valine 617 retained).
Molecular consequence: synonymous variant.
Genome position (GRCh38, 1-based): chr7:83,154,790, G>C on the plus strand (C>G on the coding strand, the complement: PCLO is on the minus strand). VCF-style: chr7-83154790-G-C. GRCh37 (hg19) VCF-style: chr7-82784106-G-C.
Other names: c.1851C>G, p.Val617= (NM_014510.3).
Identifiers: ClinVar variation 3029150 (VCV003029150.2), dbSNP rs553663105, ClinGen allele CA456342990.

ClinVar aggregate classification (germline): Likely benign (0 of 4 stars; one submission).

Conditions:
PCLO-related disorder. Also called: PCLO-related condition.

gnomAD v4.1: 5 of 1,613,968 alleles (0.00031%); highest among the groups gnomAD compares: Non-Finnish European, 0.00042%; no homozygotes.

Submission:

PreventionGenetics, part of Exact Sciences
Classification: Likely benign for PCLO-related condition. Last evaluated: 2021-08-19. Review status: no assertion criteria provided. Collection method: clinical testing. Allele origin: germline.
Comment: This variant is classified as likely benign based on ACMG/AMP sequence variant interpretation guidelines (Richards et al. 2015 PMID: 25741868, with internal and published modifications).